The following is an entry in ClinVar:

ClinVar aggregate classification (germline): Uncertain significance. Review status: criteria provided, multiple submitters, no conflicts (2 of 4 stars). 2 submissions from 2 submitters: Uncertain significance (2). Last evaluated 2025-10-14.

Conditions:
CHD8-related disorder. Also called: CHD8-related condition; CHD8-related disorders.

Allele frequency attached by ClinVar (database versions not stated): ExAC 0.00001; TOPMed 0.00001; ESP Exome Variant Server 0.00008.

Submissions (2):

PreventionGenetics, part of Exact Sciences
Classification: Uncertain significance for CHD8-related condition. Last evaluated: 2025-10-14. Review status: criteria provided, single submitter. Criteria: ACMG Guidelines, 2015. Collection method: clinical testing. Allele origin: germline.
Comment: The CHD8 c.1558A>G variant is predicted to result in the amino acid substitution p.Lys520Glu. To our knowledge, this variant has not been reported in the literature. This variant is reported in 0.00089% of alleles in individuals of European (Non-Finnish) descent in gnomAD. At this time, the clinical significance of this variant is uncertain due to the absence of conclusive functional and genetic evidence.

GeneDx
Classification: Uncertain significance. Last evaluated: 2025-05-02. Review status: criteria provided, single submitter. Criteria: GeneDx Variant Classification Process June 2021. Collection method: clinical testing. Allele origin: germline. Affected: yes.
Comment: Not observed at significant frequency in large population cohorts (gnomAD); In silico analysis suggests that this missense variant does not alter protein structure/function; Has not been previously published as pathogenic or benign to our knowledge

NM_001170629.2(CHD8):c.1558A>G (p.Lys520Glu)

Gene: CHD8 (chromodomain helicase DNA binding protein 8; minus strand). Cytogenetic location: 14q11.2.
Variant type: single nucleotide variant.
Coding change: c.1558A>G on transcript NM_001170629.2 (MANE Select); coding-DNA position 1558, A replaced by G.
Protein change: p.Lys520Glu; replaces lysine 520 with glutamic acid.
Molecular consequence: missense variant.
Genome position (GRCh38, 1-based): chr14:21,427,912, T>C on the plus strand (A>G on the coding strand, the complement: CHD8 is on the minus strand). VCF-style: chr14-21427912-T-C. GRCh37 (hg19) VCF-style: chr14-21896071-T-C.
Other names: c.721A>G, p.Lys241Glu (NM_020920.4); short protein forms K241E, K520E.
Identifiers: ClinVar variation 2633846 (VCV002633846.3), dbSNP rs373032714, ClinGen allele CA7091763.